The following is an entry in ClinVar:

NM_001127649.3(PEX26):c.154del (p.Arg52fs)

Gene: PEX26 (peroxisomal biogenesis factor 26; plus strand). Cytogenetic location: 22q11.21.
Variant type: Deletion.
Coding change: c.154del on transcript NM_001127649.3 (MANE Select); coding-DNA position 154, one base deleted (C; older notation c.154delC).
Protein change: p.Arg52fs; shifts the reading frame from arginine 52.
Molecular consequence: frameshift variant.
Genome position (GRCh38, 1-based): chr22:18,078,530, C deleted; the last of 2 consecutive C bases (chr22:18,078,529-18,078,530); deleting either gives the same sequence. VCF-style (leftmost placement, unchanged base first): chr22-18078528-TC-T. GRCh37 (hg19) VCF-style: chr22-18561294-TC-T.
Other names: c.154del, p.Arg52fs (NM_001199319.2, NM_017929.6); short protein forms R52fs.
Identifiers: ClinVar variation 1995469 (VCV001995469.4), dbSNP rs1569185857, ClinGen allele CA638502299.

ClinVar aggregate classification (germline): Pathogenic (1 of 4 stars; one submission).

Conditions:
Peroxisome biogenesis disorder 7A (Zellweger). Also called: Peroxisome biogenesis disorder 7A. Identifiers: Orphanet 912, MedGen C3888385, MONDO:0013938, OMIM 614872.
Peroxisome biogenesis disorder 7B (PBD7B). Identifiers: Orphanet 44, MedGen C3553951, MONDO:0013939, OMIM 614873.

Submission:

Labcorp Genetics (formerly Invitae), Labcorp
Classification: Pathogenic for Peroxisome biogenesis disorder 7A (Zellweger); Peroxisome biogenesis disorder 7B. Last evaluated: 2023-08-27. Review status: criteria provided, single submitter. Criteria: Invitae Variant Classification Sherloc (09022015). Collection method: clinical testing. Allele origin: germline.
Comment: This sequence change creates a premature translational stop signal (p.Arg52Glyfs*30) in the PEX26 gene. It is expected to result in an absent or disrupted protein product. Loss-of-function variants in PEX26 are known to be pathogenic (PMID: 12851857, 21031596). This variant is present in population databases (no rsID available, gnomAD 0.004%). This variant has not been reported in the literature in individuals affected with PEX26-related conditions. ClinVar contains an entry for this variant (Variation ID: 1995469). For these reasons, this variant has been classified as Pathogenic.

Literature cited by the submitters: PubMed 12851857; PubMed 21031596.